The following is an entry in ClinVar:

NM_001283009.2(RTEL1):c.3217T>G (p.Ser1073Ala)

Genes: RTEL1 (regulator of telomere elongation helicase 1; plus strand), RTEL1-TNFRSF6B (RTEL1-TNFRSF6B readthrough (NMD candidate); plus strand). Cytogenetic location: 20q13.33.
Variant type: single nucleotide variant.
Coding change: c.3217T>G on transcript NM_001283009.2 (MANE Select); coding-DNA position 3217, T replaced by G.
Protein change: p.Ser1073Ala; replaces serine 1073 with alanine.
Molecular consequence: missense variant. On other transcripts: non-coding transcript variant (1).
Genome position (GRCh38, 1-based): chr20:63,694,848, T>G. VCF-style: chr20-63694848-T-G. GRCh37 (hg19) VCF-style: chr20-62326201-T-G.
Other names: c.3289T>G (NM_032957.4); c.2548T>G, p.Ser850Ala (NM_001283010.1); c.3217T>G, p.Ser1073Ala (NM_016434.4); c.3289T>G, p.Ser1097Ala (NM_032957.5); short protein forms S1073A, S1097A, S850A.
Identifiers: ClinVar variation 2421164 (VCV002421164.9), dbSNP rs1328770706, ClinGen allele CA409684981.

ClinVar aggregate classification (germline): Conflicting classifications of pathogenicity. Review status: criteria provided, conflicting classifications (1 of 4 stars). 3 submissions from 3 submitters: Uncertain significance (1); Likely benign (1). 1 of the submissions does not count toward it. Last evaluated 2025-04-07.

Conditions:
Inborn genetic diseases. Identifiers: MedGen C0950123, MeSH D030342.
Pulmonary fibrosis and/or bone marrow failure, Telomere-related, 3. Also called: PULMONARY FIBROSIS AND/OR BONE MARROW FAILURE SYNDROME, TELOMERE-RELATED, 3. Identifiers: Orphanet 2032, MedGen C4225346, MONDO:0014613, OMIM 616373.
Dyskeratosis congenita, autosomal recessive 5 (DKCB5). Identifiers: MedGen C3554656, MONDO:0014076, OMIM 615190.
Dyskeratosis congenita. Identifiers: Orphanet 1775, MedGen C0265965, MONDO:0015780.

Allele frequency attached by ClinVar (database versions not stated): TOPMed below 0.00001.

Submissions (3):

Ambry Genetics
Classification: Likely benign for Inborn genetic diseases. Last evaluated: 2025-04-07. Review status: criteria provided, single submitter. Criteria: Ambry Variant Classification Scheme 2023. Collection method: clinical testing. Allele origin: germline.

Labcorp Genetics (formerly Invitae), Labcorp
Classification: Uncertain significance for Dyskeratosis congenita, autosomal recessive 5; Pulmonary fibrosis and/or bone marrow failure, Telomere-related, 3. Last evaluated: 2022-05-20. Review status: criteria provided, single submitter. Criteria: Invitae Variant Classification Sherloc (09022015). Collection method: clinical testing. Allele origin: germline.
Comment: This sequence change replaces serine, which is neutral and polar, with alanine, which is neutral and non-polar, at codon 1073 of the RTEL1 protein (p.Ser1073Ala). This variant is not present in population databases (gnomAD no frequency). This variant has not been reported in the literature in individuals affected with RTEL1-related conditions. Algorithms developed to predict the effect of missense changes on protein structure and function output the following: SIFT: "Tolerated"; PolyPhen-2: "Benign"; Align-GVGD: "Class C0". The alanine amino acid residue is found in multiple mammalian species, which suggests that this missense change does not adversely affect protein function. In summary, the available evidence is currently insufficient to determine the role of this variant in disease. Therefore, it has been classified as a Variant of Uncertain Significance.

Natera, Inc.
Classification: Uncertain significance for Dyskeratosis congenita. Last evaluated: 2025-04-10. Review status: no assertion criteria provided. Collection method: clinical testing. Allele origin: germline. Not counted in ClinVar's aggregate classification.